The following is an entry in ClinVar:

NM_014727.3(KMT2B):c.4599C>T (p.Pro1533=)

Gene: KMT2B (lysine methyltransferase 2B; plus strand). Cytogenetic location: 19q13.12.
Variant type: single nucleotide variant.
Coding change: c.4599C>T on transcript NM_014727.3 (MANE Select); coding-DNA position 4599, C replaced by T.
Protein change: p.Pro1533=; no amino-acid change (proline 1533 retained).
Molecular consequence: synonymous variant.
Genome position (GRCh38, 1-based): chr19:35,728,801, C>T. VCF-style: chr19-35728801-C-T. GRCh37 (hg19) VCF-style: chr19-36219702-C-T.
Identifiers: ClinVar variation 1587628 (VCV001587628.33), dbSNP rs201593055, ClinGen allele CA9385164.

ClinVar aggregate classification (germline): Benign/Likely benign. Review status: criteria provided, multiple submitters, no conflicts (2 of 4 stars). 4 submissions from 4 submitters: Benign (2); Likely benign (2). Last evaluated 2026-04-01.

Allele frequency attached by ClinVar (database versions not stated): ESP Exome Variant Server 0.00016; gnomAD exomes 0.00017 and 0.00018; ExAC 0.00022; gnomAD 0.00040 and 0.00050; 1000 Genomes Project 0.00060; 1000 Genomes Project 30x 0.00078.
gnomAD v4.1: 360 of 1,613,890 alleles (0.022%); highest among the groups gnomAD compares: Middle Eastern, 0.61%; 6 homozygotes.

Submissions (4):

CeGaT Center for Human Genetics Tuebingen
Classification: Likely benign. Last evaluated: 2026-04-01. Review status: criteria provided, single submitter. Criteria: CeGaT Center For Human Genetics Tuebingen Variant Classification Criteria Version 2. Collection method: clinical testing. Allele origin: germline. Affected: yes. Observed: 8 variant alleles.
Comment: KMT2B: BP4, BP7

Labcorp Genetics (formerly Invitae), Labcorp
Classification: Benign. Last evaluated: 2026-01-12. Review status: criteria provided, single submitter. Criteria: Invitae Variant Classification Sherloc (09022015). Collection method: clinical testing. Allele origin: germline.

Blueprint Genetics
Classification: Likely benign. Last evaluated: 2024-11-12. Review status: criteria provided, single submitter. Criteria: ACMG Guidelines, 2015. Collection method: clinical testing. Allele origin: germline.

Breakthrough Genomics
Classification: Benign. Review status: criteria provided, single submitter. Criteria: ACMG Guidelines, 2015. Collection method: not provided. Allele origin: germline. Inheritance: Autosomal dominant inheritance. Affected: yes.